The following is an entry in ClinVar:

ClinVar aggregate classification (germline): Uncertain significance (1 of 4 stars; one submission).

Submission:

Labcorp Genetics (formerly Invitae), Labcorp
Classification: Uncertain significance. Last evaluated: 2023-12-18. Review status: criteria provided, single submitter. Criteria: Invitae Variant Classification Sherloc (09022015). Collection method: clinical testing. Allele origin: unknown.
Comment: This variant is a gross deletion of the genomic region encompassing exon(s) 14 of the PORCN gene. While this deletion is not anticipated to lead to nonsense mediated decay, it is expected to disrupt the C-terminus of the protein. A similar copy number variant has been observed in individual(s) with Goltz-Gorlin syndrome (Invitae). In summary, the available evidence is currently insufficient to determine the role of this variant in disease. Therefore, it has been classified as a Variant of Uncertain Significance.

NC_000023.10:g.(?_48375551)_(48375701_?)del

Gene: PORCN (porcupine O-acyltransferase; plus strand). Cytogenetic location: Xp11.23.
Variant type: Deletion.
Identifiers: ClinVar variation 3246960 (VCV003246960.1).